The following is an entry in ClinVar:

ClinVar aggregate classification (germline): Conflicting classifications of pathogenicity. Review status: criteria provided, conflicting classifications (1 of 4 stars). 3 submissions from 3 submitters: Likely pathogenic (1); Uncertain significance (1). 1 of the submissions does not count toward it. Last evaluated 2025-05-12.

Conditions:
Cardiovascular phenotype. Identifiers: MedGen CN230736.
Familial long QT syndrome (RWS). Also called: Congenital long QT syndrome; Romano-Ward syndrome; VENTRICULAR FIBRILLATION WITH PROLONGED QT INTERVAL. Identifiers: Orphanet 768, MedGen C1141890, MONDO:0019171.
Long QT syndrome 1 (LQT1). Identifiers: Orphanet 101016, Orphanet 768, MedGen C4551647, MONDO:0100316, OMIM 192500, MONDO:0008646.

Allele frequency attached by ClinVar (database versions not stated): gnomAD exomes below 0.00001.
gnomAD v4.1: 1 of 1,614,038 alleles (0.000062%); highest among the groups gnomAD compares: Non-Finnish European, 0.000085%; no homozygotes.

Submissions (3):

Ambry Genetics
Classification: Likely pathogenic for Cardiovascular phenotype. Last evaluated: 2025-05-12. Review status: criteria provided, single submitter. Criteria: Ambry Variant Classification Scheme 2023. Collection method: clinical testing. Allele origin: germline.
Comment: The p.I514T variant (also known as c.1541T>C), located in coding exon 12 of the KCNQ1 gene, results from a T to C substitution at nucleotide position 1541. The isoleucine at codon 514 is replaced by threonine, an amino acid with similar properties. This variant was reported in individual(s) with features consistent with long QT syndrome (Walsh R et al. Genet Med, 2021 Jan;23:47-58; Ambry internal data). This variant is considered to be rare based on population cohorts in the Genome Aggregation Database (gnomAD). This amino acid position is well conserved in available vertebrate species. In addition, this alteration is predicted to be deleterious by in silico analysis. Based on the majority of available evidence to date, this variant is likely to be pathogenic.

MVZ Martinsried, Medicover Genetics
Classification: Uncertain significance for Long QT syndrome 1. Last evaluated: 2018-11-16. Review status: criteria provided, single submitter. Criteria: ACMG Guidelines, 2015. Collection method: clinical testing. Allele origin: unknown. Affected: yes.

Cardiovascular Biomedical Research Unit, Royal Brompton & Harefield NHS Foundation Trust
No classification provided. Condition: Familial long QT syndrome. Review status: no classification provided. Collection method: literature only. Allele origin: germline. Not counted in ClinVar's aggregate classification.
Comment: This variant has been reported as associated with Long QT syndrome in the following publications (PMID:20960614). This is a literature report, and does not necessarily reflect the clinical interpretation of the Imperial College / Royal Brompton Cardiovascular Genetics laboratory.

Literature cited by the submitters: PubMed 32893267 (cited by Ambry Genetics); PubMed 34505893 (cited by Ambry Genetics); PubMed 20960614 (cited by Cardiovascular Biomedical Research Unit, Royal Brompton & Harefield NHS Foundation Trust); PubMed 22581653 (cited by Cardiovascular Biomedical Research Unit, Royal Brompton & Harefield NHS Foundation Trust).

NM_000218.3(KCNQ1):c.1541T>C (p.Ile514Thr)

Gene: KCNQ1 (potassium voltage-gated channel subfamily Q member 1; plus strand). Cytogenetic location: 11p15.5.
Variant type: single nucleotide variant.
Coding change: c.1541T>C on transcript NM_000218.3 (MANE Select); coding-DNA position 1541, T replaced by C.
Protein change: p.Ile514Thr; replaces isoleucine 514 with threonine.
Molecular consequence: missense variant.
Genome position (GRCh38, 1-based): chr11:2,768,870, T>C. VCF-style: chr11-2768870-T-C. GRCh37 (hg19) VCF-style: chr11-2790100-T-C.
Other names: c.1541T>C (LRG_287t1); c.1445T>C, p.Ile482Thr (NM_001406836.1); c.1271T>C, p.Ile424Thr (NM_001406837.1); c.1001T>C, p.Ile334Thr (NM_001406838.1); c.1160T>C, p.Ile387Thr (NM_181798.2); short protein forms I514T, I387T, I334T, I482T, I424T.
Identifiers: ClinVar variation 52990 (VCV000052990.5), dbSNP rs199472786, ClinGen allele CA005875.
Genomic context (GRCh38, chr11:2,768,870, plus strand): 5'-CCACTCACAATCTCCTCTCCTCTCTCCACTGCAGGCTGCGGGAACACCATCGGGCCACCA[T>C]TAAGGTCATTCGACGCATGCAGTACTTTGTGGCCAAGAAGAAATTCCAGGTAAGCCCTGT-3'
Protein context (NP_000209.2, residues 504-524): SQLREHHRAT[Ile514Thr]KVIRRMQYFV